The following is an entry in ClinVar:

NM_000059.4(BRCA2):c.1213G>A (p.Gly405Arg)

Gene: BRCA2 (BRCA2 DNA repair associated; plus strand). Cytogenetic location: 13q13.1.
Variant type: single nucleotide variant.
Coding change: c.1213G>A on transcript NM_000059.4 (MANE Select); coding-DNA position 1213, G replaced by A.
Protein change: p.Gly405Arg; replaces glycine 405 with arginine.
Molecular consequence: missense variant. On other transcripts: non-coding transcript variant (1), intron variant (1).
Genome position (GRCh38, 1-based): chr13:32,332,691, G>A. VCF-style: chr13-32332691-G-A. GRCh37 (hg19) VCF-style: chr13-32906828-G-A.
Other names: c.1213G>A, p.Gly405Arg (NM_001406719.1, NM_001406720.1, NM_001406721.1 and 1 more transcripts); c.424+1661G>A (NM_001406722.1); short protein forms G405R.
Identifiers: ClinVar variation 4627547 (VCV004627547.1).

ClinVar aggregate classification (germline): Uncertain significance (1 of 4 stars; one submission).

Conditions:
Hereditary cancer-predisposing syndrome. Also called: Neoplastic Syndromes, Hereditary; Tumor predisposition; Hereditary Cancer Syndrome; Hereditary neoplastic syndrome. Identifiers: Orphanet 140162, MedGen C0027672, MeSH D009386, MONDO:0015356.

Submission:

Ambry Genetics
Classification: Uncertain significance for Hereditary cancer-predisposing syndrome. Last evaluated: 2025-11-25. Review status: criteria provided, single submitter. Criteria: Ambry Variant Classification Scheme 2023. Collection method: clinical testing. Allele origin: germline.
Comment: The p.G405R variant (also known as c.1213G>A), located in coding exon 9 of the BRCA2 gene, results from a G to A substitution at nucleotide position 1213. The glycine at codon 405 is replaced by arginine, an amino acid with dissimilar properties. This amino acid position is not well conserved in available vertebrate species. In addition, this alteration is predicted to be tolerated by in silico analysis. Based on the available evidence, the clinical significance of this variant remains unclear.

Literature cited by the submitters: PubMed 15026808.